The following is an entry in ClinVar:

ClinVar aggregate classification (germline): Uncertain significance (1 of 4 stars; one submission).

Conditions:
Hypertrophic cardiomyopathy 3. Also called: TPM1-Related Familial Hypertrophic Cardiomyopathy. Identifiers: MedGen C1861863, MONDO:0007267, OMIM 115196.

Submission:

3billion
Classification: Uncertain significance for Hypertrophic cardiomyopathy 3. Last evaluated: 2025-10-17. Review status: criteria provided, single submitter. Criteria: ACMG Guidelines, 2015. Collection method: clinical testing. Allele origin: germline. Affected: yes.
Comment: The variant is not observed in the gnomAD v4.1.0 dataset. Predicted Consequence/Location: Missense variant In silico tool predictions suggest damaging effect of the variant on gene or gene product [REVEL: 0.76 (>=0.6, sensitivity 0.68 and specificity 0.92); 3Cnet: 0.99 (> 0.75, sensitivity 0.96 and precision 0.92)]. The variant has been observed in at least two similarly affected unrelated individuals (3billion dataset). Therefore, this variant is classified as VUS according to the recommendation of ACMG/AMP guideline.

NM_001018005.2(TPM1):c.376G>A (p.Gly126Ser)

Gene: TPM1 (tropomyosin 1; plus strand). Cytogenetic location: 15q22.2.
Variant type: single nucleotide variant.
Coding change: c.376G>A on transcript NM_001018005.2 (MANE Select); coding-DNA position 376, G replaced by A.
Protein change: p.Gly126Ser; replaces glycine 126 with serine.
Molecular consequence: missense variant. On other transcripts: non-coding transcript variant (17).
Genome position (GRCh38, 1-based): chr15:63,059,564, G>A. VCF-style: chr15-63059564-G-A. GRCh37 (hg19) VCF-style: chr15-63351763-G-A.
Other names: c.502G>A, p.Gly168Ser (NM_001365778.1, NM_001407322.1, NM_001407323.1 and 1 more transcripts); c.376G>A, p.Gly126Ser (NM_001365779.1, NM_001407325.1, NM_001407326.1 and 20 more transcripts); c.268G>A, p.Gly90Ser (NM_001365780.1, NM_001365781.2, NM_001365782.1 and 9 more transcripts); short protein forms G126S, G168S, G90S.
Identifiers: ClinVar variation 3775916 (VCV003775916.3).